The following is an entry in ClinVar:

ClinVar aggregate classification (germline): Uncertain significance (1 of 4 stars; one submission).

Submission:

GeneDx
Classification: Uncertain significance. Last evaluated: 2022-07-14. Review status: criteria provided, single submitter. Criteria: GeneDx Variant Classification Process June 2021. Collection method: clinical testing. Allele origin: germline. Affected: yes.
Comment: Not observed at significant frequency in large population cohorts (gnomAD); In silico analysis supports that this missense variant has a deleterious effect on protein structure/function; Has not been previously published as pathogenic or benign to our knowledge; Variants in candidate genes are classified as variants of uncertain significance in accordance with ACMG guidelines (Richards et al., 2015)

NM_001395159.1(UNC79):c.7282A>G (p.Thr2428Ala)

Gene: UNC79 (unc-79 homolog, NALCN channel complex subunit; plus strand). Cytogenetic location: 14q32.12.
Variant type: single nucleotide variant.
Coding change: c.7282A>G on transcript NM_001395159.1 (MANE Select); coding-DNA position 7282, A replaced by G.
Protein change: p.Thr2428Ala; replaces threonine 2428 with alanine.
Molecular consequence: missense variant.
Genome position (GRCh38, 1-based): chr14:93,688,704, A>G. VCF-style: chr14-93688704-A-G. GRCh37 (hg19) VCF-style: chr14-94155050-A-G.
Other names: c.7216A>G, p.Thr2406Ala (NM_001346218.2); c.6535A>G, p.Thr2179Ala (NM_020818.5); short protein forms T2179A, T2406A, T2428A.
Identifiers: ClinVar variation 2571776 (VCV002571776.1), dbSNP rs2550029325, ClinGen allele CA390815241.
Genomic context (GRCh38, chr14:93,688,704, plus strand): 5'-AAATACCATTCGGTTTTGTAGAGCCACATGAAGACATGTTCCCAGCCTCTGCATGAAGAT[A>G]CCTTTGGGGGACATCTCAAAGTGGGGCTGGCCCAGATTGCAGCCATGGACATCTCACGGG-3'
Protein context (NP_001382088.1, residues 2418-2438): KTCSQPLHED[Thr2428Ala]FGGHLKVGLA